The following is an entry in ClinVar:

ClinVar aggregate classification (germline): Uncertain significance (1 of 4 stars; one submission).

Conditions:
Inborn genetic diseases. Identifiers: MedGen C0950123, MeSH D030342.

Submission:

Ambry Genetics
Classification: Uncertain significance for Inborn genetic diseases. Last evaluated: 2022-04-02. Review status: criteria provided, single submitter. Criteria: Ambry Variant Classification Scheme 2023. Collection method: clinical testing. Allele origin: germline.
Comment: The p.D325E variant (also known as c.975C>G), located in coding exon 10 of the AKT1 gene, results from a C to G substitution at nucleotide position 975. The aspartic acid at codon 325 is replaced by glutamic acid, an amino acid with highly similar properties. This amino acid position is conserved. In addition, this alteration is predicted to be tolerated by in silico analysis. Since supporting evidence is limited at this time, the clinical significance of this alteration remains unclear.

NM_001382430.1(AKT1):c.975C>G (p.Asp325Glu)

Gene: AKT1 (AKT serine/threonine kinase 1; minus strand). Cytogenetic location: 14q32.33.
Variant type: single nucleotide variant.
Coding change: c.975C>G on transcript NM_001382430.1 (MANE Select); coding-DNA position 975, C replaced by G.
Protein change: p.Asp325Glu; replaces aspartic acid 325 with glutamic acid.
Molecular consequence: missense variant.
Genome position (GRCh38, 1-based): chr14:104,773,075, G>C on the plus strand (C>G on the coding strand, the complement: AKT1 is on the minus strand). VCF-style: chr14-104773075-G-C. GRCh37 (hg19) VCF-style: chr14-105239412-G-C.
Other names: c.975C>G, p.Asp325Glu (NM_001014431.2, NM_001014432.2, NM_001382431.1 and 3 more transcripts); short protein forms D325E.
Identifiers: ClinVar variation 1768097 (VCV001768097.2), dbSNP rs1459853850, ClinGen allele CA391217378.
Genomic context (GRCh38, chr14:104,773,075, plus strand): 5'-ACCGCACATCATCTCGTACATGACCACGCCCAGCCCCCACCAGTCCACTGCACGGCCGTA[G>C]TCATTGTCCTCCAGCACCTGCACGGGTGGCAGATGGGCAGGACTCGGCATCAAGGGGTGT-3'
Protein context (NP_001369359.1, residues 315-335): YLAPEVLEDN[Asp325Glu]YGRAVDWWGL